The following is an entry in ClinVar:

NM_004655.4(AXIN2):c.298G>A (p.Glu100Lys)

Gene: AXIN2 (axin 2; minus strand). Cytogenetic location: 17q24.1.
Variant type: single nucleotide variant.
Coding change: c.298G>A on transcript NM_004655.4 (MANE Select); coding-DNA position 298, G replaced by A.
Protein change: p.Glu100Lys; replaces glutamic acid 100 with lysine.
Molecular consequence: missense variant.
Genome position (GRCh38, 1-based): chr17:65,558,323, C>T on the plus strand (G>A on the coding strand, the complement: AXIN2 is on the minus strand). VCF-style: chr17-65558323-C-T. GRCh37 (hg19) VCF-style: chr17-63554441-C-T.
Other names: c.298G>A, p.Glu100Lys (NM_001363813.1); short protein forms E100K.
Identifiers: ClinVar variation 2980801 (VCV002980801.4), dbSNP rs2144588406, ClinGen allele CA400681712.

ClinVar aggregate classification (germline): Conflicting classifications of pathogenicity. Review status: criteria provided, conflicting classifications (1 of 4 stars). 2 submissions from 2 submitters: Uncertain significance (1); Likely benign (1). Last evaluated 2024-07-31.

Conditions:
Oligodontia-cancer predisposition syndrome. Also called: TOOTH AGENESIS-COLORECTAL CANCER SYNDROME. Identifiers: Orphanet 300576, MedGen C1837750, MONDO:0012075, OMIM 608615. Disease mechanism: loss of function.
Hereditary cancer-predisposing syndrome. Also called: Tumor predisposition; Hereditary neoplastic syndrome; Hereditary Cancer Syndrome; Neoplastic Syndromes, Hereditary. Identifiers: Orphanet 140162, MedGen C0027672, MeSH D009386, MONDO:0015356.

Allele frequency attached by ClinVar (database versions not stated): gnomAD exomes below 0.00001.
gnomAD v4.1: 1 of 1,614,210 alleles (0.000062%); highest among the groups gnomAD compares: Non-Finnish European, 0.000085%; no homozygotes.

Submissions (2):

Ambry Genetics
Classification: Likely benign for Hereditary cancer-predisposing syndrome. Last evaluated: 2024-07-31. Review status: criteria provided, single submitter. Criteria: Ambry Variant Classification Scheme 2023. Collection method: clinical testing. Allele origin: germline.

Labcorp Genetics (formerly Invitae), Labcorp
Classification: Uncertain significance for Oligodontia-cancer predisposition syndrome. Last evaluated: 2023-09-05. Review status: criteria provided, single submitter. Criteria: Invitae Variant Classification Sherloc (09022015). Collection method: clinical testing. Allele origin: germline.
Comment: In summary, the available evidence is currently insufficient to determine the role of this variant in disease. Therefore, it has been classified as a Variant of Uncertain Significance. Advanced modeling of protein sequence and biophysical properties (such as structural, functional, and spatial information, amino acid conservation, physicochemical variation, residue mobility, and thermodynamic stability) performed at Invitae indicates that this missense variant is not expected to disrupt AXIN2 protein function. This variant has not been reported in the literature in individuals affected with AXIN2-related conditions. This variant is not present in population databases (gnomAD no frequency). This sequence change replaces glutamic acid, which is acidic and polar, with lysine, which is basic and polar, at codon 100 of the AXIN2 protein (p.Glu100Lys).